The following is an entry in ClinVar:

ClinVar aggregate classification (germline): Pathogenic (1 of 4 stars; one submission).

Submission:

GeneDx
Classification: Pathogenic. Last evaluated: 2013-11-06. Review status: criteria provided, single submitter. Criteria: GeneDx Variant Classification (06012015). Collection method: clinical testing. Allele origin: germline. Affected: yes.
Comment: c.4477_4479delGAA: p.Glu1493del (E1493del) in exon 25 of the SCN2A gene (NM_021007.2). The normal sequence with the bases that are deleted in braces is: AGAA[GAA]CAGA.The Glu1493del variant has not been published as a mutation, nor has it been reported as a benign polymorphism to our knowledge. It results in an in-frame deletion of a single conserved amino acid reside (Glu1493) in the cytoplasmic loop between the third and fourth transmembrane domains of the protein, and a missense mutation in this region of the protein has been reported in association with intractable epilepsy (Shi et al., 2011). This variant has been observed de novo without verified parentage. The variant is found in EPILEPSY panel(s).

NM_001040142.2(SCN2A):c.4474GAA[1] (p.Glu1493del)

Gene: SCN2A (sodium voltage-gated channel alpha subunit 2; plus strand). Cytogenetic location: 2q24.3.
Variant type: Microsatellite.
Coding change: c.4474GAA[1] on transcript NM_001040142.2 (MANE Select); one copy of the 3-base unit GAA starting at c.4474; the reference has two copies in a row; one copy, 3 bases deleted.
Protein change: p.Glu1493del; deletes glutamic acid 1493.
Molecular consequence: inframe deletion.
Genome position (GRCh38, 1-based): chr2:165,381,123-165,381,125, GAA deleted; deleting any 3 consecutive bases within chr2:165,381,119-165,381,125 gives the same sequence; the position shown is the placement nearest the transcript's 3' end. VCF-style (leftmost placement, unchanged base first): chr2-165381118-CAGA-C. GRCh37 (hg19) VCF-style: chr2-166237628-CAGA-C.
Other names: c.4477_4479delGAA (NM_021007.2); c.4474GAA[1], p.Glu1493del (NM_001040143.2, NM_001371246.1, NM_001371247.1 and 1 more transcripts); short protein forms E1493del.
Identifiers: ClinVar variation 207077 (VCV000207077.1), dbSNP rs796053194, ClinGen allele CA318179.
Genomic context (GRCh38, chr2:165,381,118, plus strand): 5'-CACAATTTTAACAAGTGTTGCTTTCATTTCTTTACTTTGGAGGTCAAGACATTTTTATGA[CAGA>C]AGAACAGAAGAAATACTACAATGCAATGAAAAAACTGGGTTCAAAGAAACCACAAAAACC-3'